The following is an entry in ClinVar:

ClinVar aggregate classification (germline): Pathogenic/Likely pathogenic. Review status: criteria provided, multiple submitters, no conflicts (2 of 4 stars). 4 submissions from 4 submitters: Pathogenic (2); Likely pathogenic (1). 1 of the submissions does not count toward it. Last evaluated 2023-12-11.

Conditions:
Mucopolysaccharidosis type 1. Also called: IDUA deficiency; MPS I; Mucopolysaccharidosis Type I. Identifiers: Orphanet 579, MedGen C0023786, MONDO:0001586.
Hurler syndrome. Also called: Severe MPS I (Hurler Syndrome); MUCOPOLYSACCHARIDOSIS TYPE IH; Gargoylism, Hurler Syndrome. Identifiers: Orphanet 93473, MedGen C0086795, MONDO:0011758, OMIM 607014.

Allele frequency attached by ClinVar (database versions not stated): gnomAD 0.00001; TOPMed 0.00001.

Submissions (4):

Broad Center for Mendelian Genomics, Broad Institute of MIT and Harvard
Classification: Likely pathogenic for Mucopolysaccharidosis type 1. Last evaluated: 2023-12-11. Review status: criteria provided, single submitter. Criteria: ACMG Guidelines, 2015. Collection method: curation. Allele origin: germline. Inheritance: Autosomal recessive inheritance.
Comment: The p.Tyr64CysfsTer67 variant in IDUA has not been previously reported in individuals with mucopolysaccharidosis (MPS) but has been identified in 0.0048% (2/41454) of African chromosomes by the Genome Aggregation Database (gnomAD; dbSNP rs794727240). Although this variant has been seen in the general population, its frequency is not high enough to rule out a pathogenic role. This variant has also been reported in ClinVar (Variation ID: 195040) as pathogenic by EGL Genetic Diagnostics and as likely pathogenic by Counsyl. This variant is predicted to cause a frameshift, which alters the protein’s amino acid sequence beginning at position 64 and leads to a premature termination codon 67 amino acids downstream. This alteration is then predicted to lead to a truncated or absent protein. Loss of function of the IDUA gene is an established disease mechanism in autosomal recessive MPS. In summary, although additional studies are required to fully establish its clinical significance, this variant is likely pathogenic for autosomal recessive mucopolysaccharidosis. ACMG/AMP Criteria applied: PVS1, PM2 (Richards 2015).

Labcorp Genetics (formerly Invitae), Labcorp
Classification: Pathogenic for Mucopolysaccharidosis type 1. Last evaluated: 2022-08-10. Review status: criteria provided, single submitter. Criteria: Invitae Variant Classification Sherloc (09022015). Collection method: clinical testing. Allele origin: germline.
Comment: For these reasons, this variant has been classified as Pathogenic. ClinVar contains an entry for this variant (Variation ID: 195040). This variant has not been reported in the literature in individuals affected with IDUA-related conditions. This variant is present in population databases (rs794727240, gnomAD 0.01%). This sequence change creates a premature translational stop signal (p.Tyr64Cysfs*67) in the IDUA gene. It is expected to result in an absent or disrupted protein product. Loss-of-function variants in IDUA are known to be pathogenic (PMID: 11735025, 21480867).

Eurofins Ntd Llc (ga)
Classification: Pathogenic. Last evaluated: 2014-09-19. Review status: criteria provided, single submitter. Criteria: EGL Classification Definitions 2015. Collection method: clinical testing. Allele origin: germline. Observed: 1 variant allele, 1 heterozygote.

Counsyl
Classification: Likely pathogenic for Hurler syndrome. Last evaluated: 2017-07-21. Review status: no assertion criteria provided. Collection method: clinical testing. Allele origin: unknown. Not counted in ClinVar's aggregate classification.

Literature cited by the submitters: PubMed 11735025 (cited by Labcorp Genetics (formerly Invitae), Labcorp); PubMed 21480867 (cited by Labcorp Genetics (formerly Invitae), Labcorp).

NM_000203.5(IDUA):c.191_192del (p.Tyr64fs)

Genes: IDUA (alpha-L-iduronidase; plus strand), SLC26A1 (solute carrier family 26 member 1; minus strand). Cytogenetic location: 4p16.3.
Variant type: Deletion.
Coding change: c.191_192del on transcript NM_000203.5 (MANE Select); coding-DNA positions 191 to 192, 2 bases deleted (AC; older notation c.191_192delAC).
Protein change: p.Tyr64fs; shifts the reading frame from tyrosine 64.
Molecular consequence: frameshift variant. On other transcripts: 3 prime UTR variant (2), non-coding transcript variant (1), intron variant (1).
Genome position (GRCh38, 1-based): chr4:987,841-987,842, AC deleted. VCF-style (leftmost placement, unchanged base first): chr4-987840-TAC-T. GRCh37 (hg19) VCF-style: chr4-981628-TAC-T.
Other names: c.*991_*992del (NM_022042.4, NM_213613.4); c.576+3286_576+3287del (NM_134425.4); short protein forms Y64fs.
Identifiers: ClinVar variation 195040 (VCV000195040.14), dbSNP rs794727240, ClinGen allele CA275064.